The following is an entry in ClinVar:

ClinVar aggregate classification (germline): Uncertain significance (1 of 4 stars; one submission).

Conditions:
Renal cell carcinoma. Identifiers: Orphanet 217071, MedGen C0007134, MeSH D002292, MONDO:0005086, HP:0005584.

Submission:

Labcorp Genetics (formerly Invitae), Labcorp
Classification: Uncertain significance for Renal cell carcinoma. Last evaluated: 2021-10-25. Review status: criteria provided, single submitter. Criteria: Invitae Variant Classification Sherloc (09022015). Collection method: clinical testing. Allele origin: germline.
Comment: In summary, the available evidence is currently insufficient to determine the role of this variant in disease. Therefore, it has been classified as a Variant of Uncertain Significance. Algorithms developed to predict the effect of missense changes on protein structure and function are either unavailable or do not agree on the potential impact of this missense change (SIFT: "Deleterious"; PolyPhen-2: "Possibly Damaging"; Align-GVGD: "Class C0"). This variant has not been reported in the literature in individuals affected with MET-related conditions. This variant is not present in population databases (ExAC no frequency). This sequence change replaces serine with arginine at codon 1062 of the MET protein (p.Ser1062Arg). The serine residue is highly conserved and there is a moderate physicochemical difference between serine and arginine.

NM_000245.4(MET):c.3132T>A (p.Ser1044Arg)

Gene: MET (MET proto-oncogene, receptor tyrosine kinase; plus strand). Cytogenetic location: 7q31.2.
Variant type: single nucleotide variant.
Coding change: c.3132T>A on transcript NM_000245.4 (MANE Select); coding-DNA position 3132, T replaced by A.
Protein change: p.Ser1044Arg; replaces serine 1044 with arginine.
Molecular consequence: missense variant.
Genome position (GRCh38, 1-based): chr7:116,774,984, T>A. VCF-style: chr7-116774984-T-A. GRCh37 (hg19) VCF-style: chr7-116415038-T-A.
Other names: c.1842T>A, p.Ser614Arg (NM_001324402.2); c.3186T>A, p.Ser1062Arg (NM_001127500.3); short protein forms S1062R, S614R, S1044R.
Identifiers: ClinVar variation 1385186 (VCV001385186.6), dbSNP rs746291237, ClinGen allele CA368988263.